The following is an entry in ClinVar:

ClinVar aggregate classification (germline): Conflicting classifications of pathogenicity. Review status: criteria provided, conflicting classifications (1 of 4 stars). 2 submissions from 2 submitters: Uncertain significance (1); Likely benign (1). Last evaluated 2026-01-12.

Conditions:
Hypoplastic left heart syndrome. Also called: Hypoplastic left ventricle; Hypoplastic left heart. Identifiers: Orphanet 2248, MedGen C0152101, MONDO:0004933, HP:0004383.

Allele frequency attached by ClinVar (database versions not stated): gnomAD exomes 0.00002 and 0.00005; ExAC 0.00006; TOPMed 0.00021; ESP Exome Variant Server 0.00023; gnomAD 0.00024 and 0.00026; 1000 Genomes Project 0.00040; 1000 Genomes Project 30x 0.00047.
gnomAD v4.1: 73 of 1,613,970 alleles (0.0045%); highest among the groups gnomAD compares: African/African-American, 0.089%; 1 homozygote.

Submissions (2):

Labcorp Genetics (formerly Invitae), Labcorp
Classification: Uncertain significance for Hypoplastic left heart syndrome. Last evaluated: 2026-01-12. Review status: criteria provided, single submitter. Criteria: Invitae Variant Classification Sherloc (09022015). Collection method: clinical testing. Allele origin: germline.
Comment: This sequence change replaces proline, which is neutral and non-polar, with leucine, which is neutral and non-polar, at codon 189 of the HAND1 protein (p.Pro189Leu). This variant is present in population databases (rs147677474, gnomAD 0.08%), and has an allele count higher than expected for a pathogenic variant. This variant has not been reported in the literature in individuals affected with HAND1-related conditions. ClinVar contains an entry for this variant (Variation ID: 1495405). An algorithm developed to predict the effect of missense changes on protein structure and function (PolyPhen-2) suggests that this variant is likely to be tolerated. In summary, the available evidence is currently insufficient to determine the role of this variant in disease. Therefore, it has been classified as a Variant of Uncertain Significance.

Blueprint Genetics
Classification: Likely benign. Last evaluated: 2024-10-16. Review status: criteria provided, single submitter. Criteria: ACMG Guidelines, 2015. Collection method: clinical testing. Allele origin: germline.

NM_004821.3(HAND1):c.566C>T (p.Pro189Leu)

Gene: HAND1 (heart and neural crest derivatives expressed 1; minus strand). Cytogenetic location: 5q33.2.
Variant type: single nucleotide variant.
Coding change: c.566C>T on transcript NM_004821.3 (MANE Select); coding-DNA position 566, C replaced by T.
Protein change: p.Pro189Leu; replaces proline 189 with leucine.
Molecular consequence: missense variant.
Genome position (GRCh38, 1-based): chr5:154,475,888, G>A on the plus strand (C>T on the coding strand, the complement: HAND1 is on the minus strand). VCF-style: chr5-154475888-G-A. GRCh37 (hg19) VCF-style: chr5-153855448-G-A.
Other names: short protein forms P189L.
Identifiers: ClinVar variation 1495405 (VCV001495405.7), dbSNP rs147677474, ClinGen allele CA3526519.